The following is an entry in ClinVar:

ClinVar aggregate classification (germline): Uncertain significance. Review status: criteria provided, multiple submitters, no conflicts (2 of 4 stars). 2 submissions from 2 submitters: Uncertain significance (2). Last evaluated 2022-07-11.

Conditions:
Bardet-Biedl syndrome 10 (BBS10). Identifiers: Orphanet 110, MedGen C1859568, MONDO:0014438, OMIM 615987.
Bardet-Biedl syndrome (BBS). Identifiers: Orphanet 110, MedGen C0752166, MONDO:0015229.

Submissions (2):

Labcorp Genetics (formerly Invitae), Labcorp
Classification: Uncertain significance for Bardet-Biedl syndrome. Last evaluated: 2022-07-11. Review status: criteria provided, single submitter. Criteria: Invitae Variant Classification Sherloc (09022015). Collection method: clinical testing. Allele origin: germline.
Comment: In summary, the available evidence is currently insufficient to determine the role of this variant in disease. Therefore, it has been classified as a Variant of Uncertain Significance. Algorithms developed to predict the effect of missense changes on protein structure and function output the following: SIFT: "Tolerated"; PolyPhen-2: "Benign"; Align-GVGD: "Class C0". The valine amino acid residue is found in multiple mammalian species, which suggests that this missense change does not adversely affect protein function. ClinVar contains an entry for this variant (Variation ID: 1015521). This variant has not been reported in the literature in individuals affected with BBS10-related conditions. This variant is not present in population databases (gnomAD no frequency). This sequence change replaces methionine, which is neutral and non-polar, with valine, which is neutral and non-polar, at codon 594 of the BBS10 protein (p.Met594Val).

Fulgent Genetics
Classification: Uncertain significance for Bardet-Biedl syndrome 10. Last evaluated: 2021-10-29. Review status: criteria provided, single submitter. Criteria: ACMG Guidelines, 2015. Collection method: clinical testing. Allele origin: unknown.

NM_024685.4(BBS10):c.1780A>G (p.Met594Val)

Gene: BBS10 (Bardet-Biedl syndrome 10; minus strand). Cytogenetic location: 12q21.2.
Variant type: single nucleotide variant.
Coding change: c.1780A>G on transcript NM_024685.4 (MANE Select); coding-DNA position 1780, A replaced by G.
Protein change: p.Met594Val; replaces methionine 594 with valine.
Molecular consequence: missense variant.
Genome position (GRCh38, 1-based): chr12:76,346,205, T>C on the plus strand (A>G on the coding strand, the complement: BBS10 is on the minus strand). VCF-style: chr12-76346205-T-C. GRCh37 (hg19) VCF-style: chr12-76739985-T-C.
Other names: short protein forms M594V.
Identifiers: ClinVar variation 1015521 (VCV001015521.9), dbSNP rs1951756219, ClinGen allele CA385809925.